The following is an entry in ClinVar:

NM_001384732.1(CPLANE1):c.1985dup (p.Leu663fs)

Gene: CPLANE1 (ciliogenesis and planar polarity effector complex subunit 1; minus strand). Cytogenetic location: 5p13.2.
Variant type: Duplication.
Coding change: c.1985dup on transcript NM_001384732.1 (MANE Select); coding-DNA position 1985, one base duplicated (A; older notation c.1985dupA).
Protein change: p.Leu663fs; shifts the reading frame from leucine 663.
Molecular consequence: frameshift variant.
Genome position (GRCh38, 1-based): chr5:37,226,610, T duplicated on the plus strand (A on the coding strand, the reverse complement: CPLANE1 is on the minus strand); the first of 3 consecutive T bases (chr5:37,226,610-37,226,612); duplicating any one gives the same sequence. VCF-style (leftmost placement, unchanged base first): chr5-37226609-C-CT. GRCh37 (hg19) VCF-style: chr5-37226711-C-CT.
Other names: c.1985dup, p.Leu663fs (NM_023073.4); short protein forms L663fs.
Identifiers: ClinVar variation 1120117 (VCV001120117.4), dbSNP rs2150435584, ClinGen allele CA2499217847.

ClinVar aggregate classification (germline): Likely pathogenic (1 of 4 stars; one submission).

Conditions:
Joubert syndrome. Also called: CEREBELLOPARENCHYMAL DISORDER IV; JOUBERT-BOLTSHAUSER SYNDROME; Familial aplasia of the vermis. Identifiers: Orphanet 475, MedGen C5979921, MONDO:0018772.

Submission:

Laboratory for Molecular Medicine, Mass General Brigham Personalized Medicine
Classification: Likely pathogenic for Joubert syndrome. Last evaluated: 2020-07-07. Review status: criteria provided, single submitter. Criteria: LMM Criteria. Collection method: clinical testing. Allele origin: germline. Inheritance: Autosomal recessive inheritance. Observed: 1 variant allele.
Comment: The p.Leu663AlafsX35 variant in CPLANE1 (previously called C5orf42) has not been previously reported in individuals with Joubert syndrome and was absent from large population studies. This variant is predicted to cause a frameshift, which alters the proteinâ€™s amino acid sequence beginning at position 663 and leads to a premature termination codon 34 amino acids downstream. This alteration is then predicted to lead to a truncated or absent protein. Loss of function of the CPLANE1 gene is an established disease mechanism in autosomal recessive Joubert syndrome. In summary, although additional studies are required to fully establish its clinical significance, this variant meets criteria to be classified as likely pathogenic for autosomal recessive Joubert syndrome. ACMG/AMP Criteria applied: PVS1, PM2.